The following is an entry in ClinVar:

ClinVar aggregate classification (germline): Uncertain significance. Review status: criteria provided, multiple submitters, no conflicts (2 of 4 stars). 2 submissions from 2 submitters: Uncertain significance (2). Last evaluated 2026-07-09.

Conditions:
Gastrointestinal stromal tumor. Also called: Gastrointestinal stromal tumor, somatic; Gastrointestinal stroma tumor. Identifiers: Orphanet 44890, MedGen C0238198, MeSH D046152, MONDO:0011719, OMIM 606764, HP:0100723.
Hereditary cancer-predisposing syndrome. Also called: Hereditary Cancer Syndrome; Tumor predisposition; Neoplastic Syndromes, Hereditary; Hereditary neoplastic syndrome. Identifiers: Orphanet 140162, MedGen C0027672, MeSH D009386, MONDO:0015356.

Allele frequency attached by ClinVar (database versions not stated): gnomAD exomes below 0.00001.
gnomAD v4.1: 1 of 1,613,906 alleles (0.000062%); highest among the groups gnomAD compares: Non-Finnish European, 0.000085%; no homozygotes.

Submissions (2):

Ambry Genetics
Classification: Uncertain significance for Hereditary cancer-predisposing syndrome. Last evaluated: 2026-07-09. Review status: criteria provided, single submitter. Criteria: Ambry Variant Classification Scheme 2023. Collection method: clinical testing. Allele origin: germline.
Comment: The p.D121V variant (also known as c.362A>T), located in coding exon 3 of the KIT gene, results from an A to T substitution at nucleotide position 362. The aspartic acid at codon 121 is replaced by valine, an amino acid with highly dissimilar properties. This amino acid position is conserved. In addition, this alteration is predicted to be tolerated by in silico analysis. Based on the available evidence, the clinical significance of this variant remains unclear.

Labcorp Genetics (formerly Invitae), Labcorp
Classification: Uncertain significance for Gastrointestinal stromal tumor. Last evaluated: 2021-04-15. Review status: criteria provided, single submitter. Criteria: Invitae Variant Classification Sherloc (09022015). Collection method: clinical testing. Allele origin: germline.
Comment: This sequence change replaces aspartic acid with valine at codon 121 of the KIT protein (p.Asp121Val). The aspartic acid residue is moderately conserved and there is a large physicochemical difference between aspartic acid and valine. This variant is not present in population databases (ExAC no frequency). This variant has not been reported in the literature in individuals with KIT-related conditions. Algorithms developed to predict the effect of missense changes on protein structure and function (SIFT, PolyPhen-2, Align-GVGD) all suggest that this variant is likely to be tolerated, but these predictions have not been confirmed by published functional studies and their clinical significance is uncertain. In summary, the available evidence is currently insufficient to determine the role of this variant in disease. Therefore, it has been classified as a Variant of Uncertain Significance.

NM_000222.3(KIT):c.362A>T (p.Asp121Val)

Gene: KIT (KIT proto-oncogene, receptor tyrosine kinase; plus strand). Cytogenetic location: 4q12.
Variant type: single nucleotide variant.
Coding change: c.362A>T on transcript NM_000222.3 (MANE Select); coding-DNA position 362, A replaced by T.
Protein change: p.Asp121Val; replaces aspartic acid 121 with valine.
Molecular consequence: missense variant.
Genome position (GRCh38, 1-based): chr4:54,698,308, A>T. VCF-style: chr4-54698308-A-T. GRCh37 (hg19) VCF-style: chr4-55564474-A-T.
Other names: c.362A>T, p.Asp121Val (NM_001093772.2, NM_001385284.1, NM_001385285.1 and 4 more transcripts); c.362A>T (NM_000222.2); short protein forms D121V.
Identifiers: ClinVar variation 1482862 (VCV001482862.9), dbSNP rs2109671872, ClinGen allele CA356897425.